The following is an entry in ClinVar:

ClinVar aggregate classification (germline): Conflicting classifications of pathogenicity. Review status: criteria provided, conflicting classifications (1 of 4 stars). 2 submissions from 2 submitters: Uncertain significance (1); Likely benign (1). Last evaluated 2025-08-17.

Conditions:
Inborn genetic diseases. Identifiers: MedGen C0950123, MeSH D030342.
Developmental and epileptic encephalopathy, 42 (DEE42A). Also called: DEVELOPMENTAL AND EPILEPTIC ENCEPHALOPATHY 42A; EPILEPTIC ENCEPHALOPATHY, EARLY INFANTILE, 42A; Epileptic encephalopathy, early infantile, 42. Identifiers: MedGen C4310716, MONDO:0014917, OMIM 617106.
Episodic ataxia type 2 (EA2). Also called: ACETAZOLAMIDE-RESPONSIVE HEREDITARY PAROXYSMAL CEREBELLAR ATAXIA; ATAXIA, EPISODIC, WITH NYSTAGMUS; ATAXIA, FAMILIAL PAROXYSMAL; CEREBELLAR ATAXIA, PAROXYSMAL, ACETAZOLAMIDE-RESPONSIVE; CEREBELLOPATHY, HEREDITARY PAROXYSMAL; EPISODIC ATAXIA, NYSTAGMUS-ASSOCIATED. Identifiers: Orphanet 97, MedGen C1720416, MONDO:0007163, OMIM 108500.

gnomAD v4.1: 7 of 1,614,012 alleles (0.00043%); highest among the groups gnomAD compares: Middle Eastern, 0.033%; no homozygotes.

Submissions (2):

Labcorp Genetics (formerly Invitae), Labcorp
Classification: Likely benign for Developmental and epileptic encephalopathy, 42; Episodic ataxia type 2. Last evaluated: 2025-08-17. Review status: criteria provided, single submitter. Criteria: Invitae Variant Classification Sherloc (09022015). Collection method: clinical testing. Allele origin: germline.

Ambry Genetics
Classification: Uncertain significance for Inborn genetic diseases. Last evaluated: 2025-08-14. Review status: criteria provided, single submitter. Criteria: Ambry Variant Classification Scheme 2023. Collection method: clinical testing. Allele origin: germline.
Comment: Unlikely to be causative of CACNA1A-related spinocerebellar ataxia(AD) Based on insufficient or conflicting evidence, the clinical significance of this alteration remains unclear.

NM_001127222.2(CACNA1A):c.3724C>G (p.Leu1242Val)

Gene: CACNA1A (calcium voltage-gated channel subunit alpha1 A; minus strand). Cytogenetic location: 19p13.13.
Variant type: single nucleotide variant.
Coding change: c.3724C>G on transcript NM_001127222.2 (MANE Select); coding-DNA position 3724, C replaced by G.
Protein change: p.Leu1242Val; replaces leucine 1242 with valine.
Molecular consequence: missense variant.
Genome position (GRCh38, 1-based): chr19:13,283,365, G>C on the plus strand (C>G on the coding strand, the complement: CACNA1A is on the minus strand). VCF-style: chr19-13283365-G-C. GRCh37 (hg19) VCF-style: chr19-13394179-G-C.
Other names: c.3736C>G, p.Leu1246Val (NM_000068.4, NM_023035.3); c.3727C>G, p.Leu1243Val (NM_001127221.2, NM_001174080.2); short protein forms L1243V, L1246V, L1242V.
Identifiers: ClinVar variation 588461 (VCV000588461.7), dbSNP rs1275961783, ClinGen allele CA404340743.
Genomic context (GRCh38, chr19:13,283,365, plus strand): 5'-CGGCCAGGGCGATGCTGCTCATGGCAATGACCATGAGGATGCACATCTCAAAGTAGCGCA[G>C]GTTCAGGATGTAATGGCACAGGCGGCGAAGGCTGTTGGAGACAGATGGGCGTGCAGAGGT-3'
Protein context (NP_001120694.1, residues 1232-1252): LRRLCHYILN[Leu1242Val]RYFEMCILMV